The following is an entry in ClinVar:

NM_000081.4(LYST):c.2531T>G (p.Ile844Ser)

Gene: LYST (lysosomal trafficking regulator; minus strand). Cytogenetic location: 1q42.3.
Variant type: single nucleotide variant.
Coding change: c.2531T>G on transcript NM_000081.4 (MANE Select); coding-DNA position 2531, T replaced by G.
Protein change: p.Ile844Ser; replaces isoleucine 844 with serine.
Molecular consequence: missense variant.
Genome position (GRCh38, 1-based): chr1:235,806,605, A>C on the plus strand (T>G on the coding strand, the complement: LYST is on the minus strand). VCF-style: chr1-235806605-A-C. GRCh37 (hg19) VCF-style: chr1-235969905-A-C.
Other names: c.2531T>G, p.Ile844Ser (NM_001301365.1); short protein forms I844S.
Identifiers: ClinVar variation 2195945 (VCV002195945.4), dbSNP rs1336015006, ClinGen allele CA344956806.

ClinVar aggregate classification (germline): Uncertain significance (1 of 4 stars; one submission).

Conditions:
Chédiak-Higashi syndrome (CHS). Also called: Chediak-Higashi Syndrome. Identifiers: Orphanet 167, MedGen C0007965, MONDO:0008963, OMIM 214500.

Submission:

Labcorp Genetics (formerly Invitae), Labcorp
Classification: Uncertain significance for Chédiak-Higashi syndrome. Last evaluated: 2024-01-29. Review status: criteria provided, single submitter. Criteria: Invitae Variant Classification Sherloc (09022015). Collection method: clinical testing. Allele origin: germline.
Comment: This sequence change replaces isoleucine, which is neutral and non-polar, with serine, which is neutral and polar, at codon 844 of the LYST protein (p.Ile844Ser). This variant is not present in population databases (gnomAD no frequency). This variant has not been reported in the literature in individuals affected with LYST-related conditions. ClinVar contains an entry for this variant (Variation ID: 2195945). Advanced modeling of protein sequence and biophysical properties (such as structural, functional, and spatial information, amino acid conservation, physicochemical variation, residue mobility, and thermodynamic stability) performed at Invitae indicates that this missense variant is not expected to disrupt LYST protein function with a negative predictive value of 80%. In summary, the available evidence is currently insufficient to determine the role of this variant in disease. Therefore, it has been classified as a Variant of Uncertain Significance.